The following is an entry in ClinVar:

NM_000059.4(BRCA2):c.9263C>T (p.Ala3088Val)

Gene: BRCA2 (BRCA2 DNA repair associated; plus strand). Cytogenetic location: 13q13.1.
Variant type: single nucleotide variant.
Coding change: c.9263C>T on transcript NM_000059.4 (MANE Select); coding-DNA position 9263, C replaced by T.
Protein change: p.Ala3088Val; replaces alanine 3088 with valine.
Molecular consequence: missense variant.
Genome position (GRCh38, 1-based): chr13:32,394,695, C>T. VCF-style: chr13-32394695-C-T. GRCh37 (hg19) VCF-style: chr13-32968832-C-T.
Other names: short protein forms A3088V.
Identifiers: ClinVar variation 52796 (VCV000052796.15), dbSNP rs80359193, ClinGen allele CA026073.

ClinVar aggregate classification (germline): Conflicting classifications of pathogenicity. Review status: criteria provided, conflicting classifications (1 of 4 stars). 3 submissions from 3 submitters: Uncertain significance (1); Likely benign (1). 1 of the submissions does not count toward it. Last evaluated 2024-03-02.

Conditions:
Hereditary breast ovarian cancer syndrome. Also called: Hereditary breast and ovarian cancer syndrome; Hereditary breast and ovarian cancer; Hereditary breast and ovarian cancer syndrome (HBOC); Breast and ovarian cancer; Hereditary breast and/or ovarian cancer syndrome; BRCA1- and BRCA2-Associated Hereditary Breast and Ovarian Cancer. Identifiers: Orphanet 145, MedGen C0677776, MeSH D061325, MONDO:0003582. Disease mechanism: loss of function.
Hereditary cancer-predisposing syndrome. Also called: Neoplastic Syndromes, Hereditary; Tumor predisposition; Hereditary neoplastic syndrome; Hereditary Cancer Syndrome. Identifiers: Orphanet 140162, MedGen C0027672, MeSH D009386, MONDO:0015356.
Breast-ovarian cancer, familial, susceptibility to, 2 (BROVCA2). Also called: BRCA2 Hereditary Breast and Ovarian Cancer. Identifiers: Orphanet 145, MedGen C2675520, MONDO:0012933, OMIM 612555. Disease mechanism: loss of function.

Submissions (3):

Labcorp Genetics (formerly Invitae), Labcorp
Classification: Uncertain significance for Hereditary breast ovarian cancer syndrome. Last evaluated: 2024-03-02. Review status: criteria provided, single submitter. Criteria: Invitae Variant Classification Sherloc (09022015). Collection method: clinical testing. Allele origin: germline.
Comment: This sequence change replaces alanine, which is neutral and non-polar, with valine, which is neutral and non-polar, at codon 3088 of the BRCA2 protein (p.Ala3088Val). This variant is not present in population databases (gnomAD no frequency). This missense change has been observed in individual(s) with breast and/or ovarian cancer (PMID: 19043619). ClinVar contains an entry for this variant (Variation ID: 52796). Advanced modeling performed at Invitae incorporating data from internal and/or published experimental studies (PMID: 33609447) indicates that this missense variant is not expected to disrupt BRCA2 function with a negative predictive value of 95%. Experimental studies have shown that this missense change does not substantially affect BRCA2 function (PMID: 29394989). In summary, the available evidence is currently insufficient to determine the role of this variant in disease. Therefore, it has been classified as a Variant of Uncertain Significance.

Ambry Genetics
Classification: Likely benign for Hereditary cancer-predisposing syndrome. Last evaluated: 2019-11-14. Review status: criteria provided, single submitter. Criteria: Ambry Variant Classification Scheme 2023. Collection method: clinical testing. Allele origin: germline.

Breast Cancer Information Core (BIC) (BRCA2)
Classification: Uncertain significance for Breast-ovarian cancer, familial 2. Last evaluated: 2003-12-23. Review status: no assertion criteria provided. Collection method: clinical testing. Allele origin: germline. Affected: yes. Observed: 1 variant allele. Not counted in ClinVar's aggregate classification.

Literature cited by the submitters: PubMed 19043619 (cited by Labcorp Genetics (formerly Invitae), Labcorp); PubMed 33609447 (cited by Labcorp Genetics (formerly Invitae), Labcorp); PubMed 29394989 (cited by Labcorp Genetics (formerly Invitae), Labcorp and Ambry Genetics).